The following is an entry in ClinVar:

NM_001134363.3(RBM20):c.3100A>T (p.Ser1034Cys)

Gene: RBM20 (RNA binding motif protein 20; plus strand). Cytogenetic location: 10q25.2.
Variant type: single nucleotide variant.
Coding change: c.3100A>T on transcript NM_001134363.3 (MANE Select); coding-DNA position 3100, A replaced by T.
Protein change: p.Ser1034Cys; replaces serine 1034 with cysteine.
Molecular consequence: missense variant.
Genome position (GRCh38, 1-based): chr10:110,821,719, A>T. VCF-style: chr10-110821719-A-T. GRCh37 (hg19) VCF-style: chr10-112581477-A-T.
Other names: short protein forms S1034C.
Identifiers: ClinVar variation 3313232 (VCV003313232.1).
Genomic context (GRCh38, chr10:110,821,719, plus strand): 5'-GAGACAGGCCTCTCCCTGGAGGATTCAGATTGCTACGAGAAGGAGGCAAAGGGAGTGGAG[A>T]GCTCAGATGTTCATCCAGCCCCTACAGTCCAGCAAATGTCTTCCCCTAAGCCAGCAGAGG-3'
Protein context (NP_001127835.2, residues 1024-1044): CYEKEAKGVE[Ser1034Cys]SDVHPAPTVQ

ClinVar aggregate classification (germline): Uncertain significance (1 of 4 stars; one submission).

Conditions:
Cardiovascular phenotype. Identifiers: MedGen CN230736.

gnomAD v4.1: 2 of 1,551,726 alleles (0.00013%); highest among the groups gnomAD compares: Non-Finnish European, 0.00017%; no homozygotes.

Submission:

Ambry Genetics
Classification: Uncertain significance for Cardiovascular phenotype. Last evaluated: 2024-05-11. Review status: criteria provided, single submitter. Criteria: Ambry Variant Classification Scheme 2023. Collection method: clinical testing. Allele origin: germline.
Comment: The p.S1034C variant (also known as c.3100A>T), located in coding exon 11 of the RBM20 gene, results from an A to T substitution at nucleotide position 3100. The serine at codon 1034 is replaced by cysteine, an amino acid with dissimilar properties. This amino acid position is conserved. In addition, this alteration is predicted to be tolerated by in silico analysis. Based on the available evidence, the clinical significance of this variant remains unclear.